The following is an entry in ClinVar:

ClinVar aggregate classification (germline): Uncertain significance (1 of 4 stars; one submission).

Conditions:
Joubert syndrome. Also called: JOUBERT-BOLTSHAUSER SYNDROME; Familial aplasia of the vermis. Identifiers: Orphanet 475, MedGen C5979921, MONDO:0018772.
Meckel-Gruber syndrome. Also called: DYSENCEPHALIA SPLANCHNOCYSTICA; GRUBER SYNDROME; Dysencephalia splachnocystica. Identifiers: Orphanet 564, MedGen C0265215, MONDO:0018921.

Submission:

Labcorp Genetics (formerly Invitae), Labcorp
Classification: Uncertain significance for Joubert syndrome; Meckel-Gruber syndrome. Last evaluated: 2025-03-17. Review status: criteria provided, single submitter. Criteria: Invitae Variant Classification Sherloc (09022015). Collection method: clinical testing. Allele origin: germline.
Comment: This sequence change replaces arginine, which is basic and polar, with serine, which is neutral and polar, at codon 917 of the CC2D2A protein (p.Arg917Ser). This variant is not present in population databases (gnomAD no frequency). This variant has not been reported in the literature in individuals affected with CC2D2A-related conditions. ClinVar contains an entry for this variant (Variation ID: 2928493). Invitae Evidence Modeling of protein sequence and biophysical properties (such as structural, functional, and spatial information, amino acid conservation, physicochemical variation, residue mobility, and thermodynamic stability) indicates that this missense variant is expected to disrupt CC2D2A protein function with a positive predictive value of 80%. In summary, the available evidence is currently insufficient to determine the role of this variant in disease. Therefore, it has been classified as a Variant of Uncertain Significance.

NM_001378615.1(CC2D2A):c.2751A>C (p.Arg917Ser)

Genes: FBXL5 (F-box and leucine rich repeat protein 5; minus strand), CC2D2A (coiled-coil and C2 domain containing 2A; plus strand). Cytogenetic location: 4p15.32.
Variant type: single nucleotide variant.
Coding change: c.2751A>C on transcript NM_001378615.1 (MANE Select); coding-DNA position 2751, A replaced by C.
Protein change: p.Arg917Ser; replaces arginine 917 with serine.
Molecular consequence: missense variant.
Genome position (GRCh38, 1-based): chr4:15,557,429, A>C. VCF-style: chr4-15557429-A-C. GRCh37 (hg19) VCF-style: chr4-15559052-A-C.
Other names: c.2751A>C, p.Arg917Ser (NM_001080522.2); c.2604A>C, p.Arg868Ser (NM_001378617.1); short protein forms R868S, R917S.
Identifiers: ClinVar variation 2928493 (VCV002928493.3), dbSNP rs1457105326, ClinGen allele CA356412372.